The following is an entry in ClinVar:

NM_205850.3(SLC24A5):c.641del (p.Leu214fs)

Genes: MYEF2 (myelin expression factor 2; minus strand), SLC24A5 (solute carrier family 24 member 5; plus strand). Cytogenetic location: 15q21.1.
Variant type: Deletion.
Coding change: c.641del on transcript NM_205850.3 (MANE Select); coding-DNA position 641, one base deleted (T; older notation c.641delT).
Protein change: p.Leu214fs; shifts the reading frame from leucine 214.
Molecular consequence: frameshift variant. On other transcripts: 3 prime UTR variant (2).
Genome position (GRCh38, 1-based): chr15:48,136,733, T deleted. VCF-style (leftmost placement, unchanged base first): chr15-48136732-CT-C. GRCh37 (hg19) VCF-style: chr15-48428929-CT-C.
Other names: c.*6175del (NM_001301210.2, NM_016132.5); short protein forms L214fs.
Identifiers: ClinVar variation 440483 (VCV000440483.46), dbSNP rs772398324, ClinGen allele CA7545932.
Genomic context (GRCh38, chr15:48,136,732, plus strand): 5'-CTCTTTTGTAGGTATGAAGGGGCTTTACTGCTTTTGATATATGGATTGTATGTTTTGGTG[CT>C]GTGTTTTGACATTAAAATTAACCAATATATTATAAAGAAATGCAGTCCTTGCTGCGCCTG-3'

ClinVar aggregate classification (germline): Pathogenic. Review status: criteria provided, multiple submitters, no conflicts (2 of 4 stars). 4 submissions from 4 submitters: Pathogenic (2). 2 of the submissions do not count toward it. Last evaluated 2025-10-22.

Conditions:
SLC24A5-related disorder. Also called: SLC24A5-related condition.
Oculocutaneous albinism type 6 (OCA6). Also called: Albinism, oculocutaneous, type VI. Identifiers: Orphanet 370097, MedGen C3805375, MONDO:0018264, OMIM 113750.

Allele frequency attached by ClinVar (database versions not stated): gnomAD exomes 0.00001 and 0.00002; gnomAD 0.00002 and 0.00003; ExAC 0.00003; TOPMed 0.00003.

Submissions (4):

Labcorp Genetics (formerly Invitae), Labcorp
Classification: Pathogenic. Last evaluated: 2025-10-22. Review status: criteria provided, single submitter. Criteria: Invitae Variant Classification Sherloc (09022015). Collection method: clinical testing. Allele origin: germline.
Comment: This sequence change creates a premature translational stop signal (p.Leu214Argfs*12) in the SLC24A5 gene. It is expected to result in an absent or disrupted protein product. Loss-of-function variants in SLC24A5 are known to be pathogenic (PMID: 23985994, 26686029). This variant is present in population databases (rs772398324, gnomAD 0.009%). This premature translational stop signal has been observed in individual(s) with clinical features of oculocutaneous albinism (PMID: 23985994). ClinVar contains an entry for this variant (Variation ID: 440483). For these reasons, this variant has been classified as Pathogenic.

Blueprint Genetics
Classification: Pathogenic for SLC24A5-related disorders. Last evaluated: 2021-08-10. Review status: criteria provided, single submitter. Criteria: ACMG Guidelines, 2015. Collection method: clinical testing. Allele origin: germline. Affected: yes. Observed: 2 variant alleles.

PreventionGenetics, part of Exact Sciences
Classification: Pathogenic for SLC24A5-related condition. Last evaluated: 2024-07-26. Review status: no assertion criteria provided. Collection method: clinical testing. Allele origin: germline. Not counted in ClinVar's aggregate classification.
Comment: The SLC24A5 c.641delT variant is predicted to result in a frameshift and premature protein termination (p.Leu214Argfs*12). This variant has been reported in the homozygous state in individuals with oculocutaneous albinism (Morice-Picard et al. 2014. PubMed ID: 23985994). This variant is reported in 0.0087% of alleles in individuals of Latino descent in gnomAD. Frameshift variants in SLC24A5 are expected to be pathogenic. This variant is interpreted as pathogenic.

OMIM
Classification: Pathogenic for ALBINISM, OCULOCUTANEOUS, TYPE VI. Last evaluated: 2022-09-21. Review status: no assertion criteria provided. Collection method: literature only. Allele origin: germline. Not counted in ClinVar's aggregate classification.

Literature cited by the submitters: PubMed 23985994 (cited by Labcorp Genetics (formerly Invitae), Labcorp and OMIM); PubMed 26686029 (cited by Labcorp Genetics (formerly Invitae), Labcorp).